The following is an entry in ClinVar:

NM_000051.4(ATM):c.7598G>A (p.Gly2533Glu)

Genes: ATM (ATM serine/threonine kinase; plus strand), C11orf65 (chromosome 11 open reading frame 65; minus strand). Cytogenetic location: 11q22.3.
Variant type: single nucleotide variant.
Coding change: c.7598G>A on transcript NM_000051.4 (MANE Select); coding-DNA position 7598, G replaced by A.
Protein change: p.Gly2533Glu; replaces glycine 2533 with glutamic acid.
Molecular consequence: missense variant. On other transcripts: non-coding transcript variant (1), intron variant (2).
Genome position (GRCh38, 1-based): chr11:108,331,526, G>A. VCF-style: chr11-108331526-G-A. GRCh37 (hg19) VCF-style: chr11-108202253-G-A.
Other names: c.7598G>A, p.Gly2533Glu (NM_001351834.2); c.641-22455C>T (NM_001330368.2); c.*38+3694C>T (NM_001351110.2); short protein forms G2533E.
Identifiers: ClinVar variation 220893 (VCV000220893.15), dbSNP rs864622688, ClinGen allele CA350716.

ClinVar aggregate classification (germline): Uncertain significance. Review status: criteria provided, multiple submitters, no conflicts (2 of 4 stars). 4 submissions from 4 submitters: Uncertain significance (4). Last evaluated 2024-08-01.

Conditions:
Hereditary cancer-predisposing syndrome. Also called: Neoplastic Syndromes, Hereditary; Hereditary neoplastic syndrome; Tumor predisposition; Hereditary Cancer Syndrome. Identifiers: Orphanet 140162, MedGen C0027672, MeSH D009386, MONDO:0015356.
Ataxia-telangiectasia syndrome (AT). Also called: Ataxia telangiectasia (A-T); Cerebello-oculocutaneous telangiectasia; Immunodeficiency with ataxia telangiectasia; LOUIS-BAR SYNDROME; AT, COMPLEMENTATION GROUP C; ATAXIA-TELANGIECTASIA, FRESNO VARIANT. Identifiers: Orphanet 100, MedGen C0004135, MONDO:0008840, OMIM 208900.
Familial cancer of breast. Also called: hereditary breast carcinoma; Hereditary breast cancer; BREAST CANCER, FAMILIAL. Identifiers: Orphanet 227535, MedGen C0346153, MONDO:0016419, OMIM 114480. Disease mechanism: loss of function.

Allele frequency attached by ClinVar (database versions not stated): gnomAD 0.00001; TOPMed 0.00001.
gnomAD v4.1: 1 of 1,612,914 alleles (0.000062%); highest among the groups gnomAD compares: Non-Finnish European, 0.000085%; no homozygotes.

Submissions (4):

Labcorp Genetics (formerly Invitae), Labcorp
Classification: Uncertain significance for Ataxia-telangiectasia syndrome. Last evaluated: 2024-08-01. Review status: criteria provided, single submitter. Criteria: Invitae Variant Classification Sherloc (09022015). Collection method: clinical testing. Allele origin: germline.
Comment: This sequence change replaces glycine, which is neutral and non-polar, with glutamic acid, which is acidic and polar, at codon 2533 of the ATM protein (p.Gly2533Glu). This variant is not present in population databases (gnomAD no frequency). This variant has not been reported in the literature in individuals affected with ATM-related conditions. ClinVar contains an entry for this variant (Variation ID: 220893). An algorithm developed to predict the effect of missense changes on protein structure and function (PolyPhen-2) suggests that this variant¬†is likely to be tolerated. In summary, the available evidence is currently insufficient to determine the role of this variant in disease. Therefore, it has been classified as a Variant of Uncertain Significance.

Baylor Genetics
Classification: Uncertain significance for Familial cancer of breast. Last evaluated: 2024-01-17. Review status: criteria provided, single submitter. Criteria: ACMG Guidelines, 2015. Collection method: clinical testing. Allele origin: unknown.

Ambry Genetics
Classification: Uncertain significance for Hereditary cancer-predisposing syndrome. Last evaluated: 2022-03-18. Review status: criteria provided, single submitter. Criteria: Ambry Variant Classification Scheme 2023. Collection method: clinical testing. Allele origin: germline.
Comment: The p.G2533E variant (also known as c.7598G>A), located in coding exon 50 of the ATM gene, results from a G to A substitution at nucleotide position 7598. The glycine at codon 2533 is replaced by glutamic acid, an amino acid with similar properties. This amino acid position is not well conserved in available vertebrate species. In addition, the in silico prediction for this alteration is inconclusive. Since supporting evidence is limited at this time, the clinical significance of this alteration remains unclear.

GeneDx
Classification: Uncertain significance. Last evaluated: 2019-10-15. Review status: criteria provided, single submitter. Criteria: GeneDx Variant Classification Process June 2021. Collection method: clinical testing. Allele origin: germline. Affected: yes.
Comment: Not observed in large population cohorts (Lek 2016); In silico analysis, which includes protein predictors and evolutionary conservation, supports that this variant does not alter protein structure/function; Has not been previously published as pathogenic or benign to our knowledge